The following is an entry in ClinVar:

NM_024675.4(PALB2):c.2244_2247dup (p.Val750fs)

Gene: PALB2 (partner and localizer of BRCA2; minus strand). Cytogenetic location: 16p12.2.
Variant type: Duplication.
Coding change: c.2244_2247dup on transcript NM_024675.4 (MANE Select); coding-DNA positions 2244 to 2247, 4 bases duplicated (AGAA; older notation c.2244_2247dupAGAA).
Protein change: p.Val750fs; shifts the reading frame from valine 750.
Molecular consequence: frameshift variant. On other transcripts: intron variant (1).
Genome position (GRCh38, 1-based): chr16:23,629,907-23,629,910, TTCT duplicated on the plus strand (AGAA on the coding strand, the reverse complement: PALB2 is on the minus strand). VCF-style (leftmost placement, unchanged base first): chr16-23629906-C-CTTCT. GRCh37 (hg19) VCF-style: chr16-23641227-C-CTTCT.
Other names: c.2184_2187dup, p.Val730fs (NM_001407296.1); c.2244_2247dup, p.Val750fs (NM_001407297.1, NM_001407298.1, NM_001407299.1 and 3 more transcripts); c.1359_1362dup, p.Val455fs (NM_001407304.1, NM_001407305.1, NM_001407306.1 and 5 more transcripts); c.456_459dup, p.Val154fs (NM_001407312.1, NM_001407313.1); c.49-635_49-632dup (NM_001407314.1); short protein forms V154fs, V455fs, V730fs, V750fs.
Identifiers: ClinVar variation 2674101 (VCV002674101.1), dbSNP rs2506415396, ClinGen allele CA2695197487.

ClinVar aggregate classification (germline): Pathogenic (1 of 4 stars; one submission).

Conditions:
Familial cancer of breast. Also called: Hereditary breast cancer; BREAST CANCER, FAMILIAL; hereditary breast carcinoma. Identifiers: Orphanet 227535, MedGen C0346153, MONDO:0016419, OMIM 114480. Disease mechanism: loss of function.

Submission:

Myriad Genetics, Inc.
Classification: Pathogenic for Familial cancer of breast. Last evaluated: 2023-09-12. Review status: criteria provided, single submitter. Criteria: Myriad Autosomal Dominant, Autosomal Recessive and X-Linked Classification Criteria (2023). Collection method: clinical testing. Allele origin: unknown.
Comment: This variant is considered pathogenic. This variant creates a frameshift predicted to result in premature protein truncation.